The following is an entry in ClinVar:

ClinVar aggregate classification (germline): Conflicting classifications of pathogenicity. Review status: criteria provided, conflicting classifications (1 of 4 stars). 23 submissions from 23 submitters: Uncertain significance (2); Benign (8); Likely benign (7). 6 of the submissions do not count toward it. Last evaluated 2026-07-01.

Conditions:
RBM20-related disorder. Also called: RBM20-related condition.
Hypertrophic cardiomyopathy. Also called: HYPERTROPHIC MYOCARDIOPATHY. Identifiers: Orphanet 217569, MedGen C0007194, MeSH D002312, MONDO:0005045, HP:0001639.
Cardiac arrest. Identifiers: MedGen C0018790, MONDO:0000745, HP:0001695.
Sudden unexpected death in epilepsy. Identifiers: MedGen C4304727, HP:0033258.
Cardiovascular phenotype. Identifiers: MedGen CN230736.
Primary dilated cardiomyopathy (DCM). Also called: Dilated Cardiomyopathy. Identifiers: Orphanet 217604, MedGen C0007193, MeSH D002311, MONDO:0005021, HP:0001644. Inheritance: Various modes of inheritance.
Cardiomyopathy (CMYO). Also called: Cardiomyopathies. Identifiers: Orphanet 167848, MedGen C0878544, MONDO:0004994, HP:0001638. Inheritance: Various modes of inheritance.
Dilated cardiomyopathy 1DD (CMD1DD). Identifiers: Orphanet 154, MedGen C2750995, MONDO:0013168, OMIM 613172.

Allele frequency attached by ClinVar (database versions not stated): 1000 Genomes Project 0.00080; gnomAD 0.00344 and 0.00326; gnomAD exomes 0.00387 and 0.00364; TOPMed 0.00182; 1000 Genomes Project 30x 0.00078; ExAC 0.00284.
gnomAD v4.1: 5,552 of 1,551,060 alleles (0.36%); highest among the groups gnomAD compares: Non-Finnish European, 0.36%; 25 homozygotes.

Submissions (23):

CeGaT Center for Human Genetics Tuebingen
Classification: Likely benign. Last evaluated: 2026-07-01. Review status: criteria provided, single submitter. Criteria: CeGaT Center For Human Genetics Tuebingen Variant Classification Criteria Version 2. Collection method: clinical testing. Allele origin: germline. Affected: yes. Observed: 6 variant alleles.
Comment: RBM20: BS2

Labcorp Genetics (formerly Invitae), Labcorp
Classification: Likely benign for Dilated cardiomyopathy 1DD. Last evaluated: 2026-02-02. Review status: criteria provided, single submitter. Criteria: Invitae Variant Classification Sherloc (09022015). Collection method: clinical testing. Allele origin: germline.

Molecular Diagnostic Laboratory for Inherited Cardiovascular Disease, Montreal Heart Institute
Classification: Likely benign. Last evaluated: 2025-04-08. Review status: criteria provided, single submitter. Criteria: ACMG Guidelines, 2015. Collection method: clinical testing. Allele origin: germline. Affected: no.

Mayo Clinic Laboratories, Mayo Clinic
Classification: Likely benign. Last evaluated: 2025-02-17. Review status: criteria provided, single submitter. Criteria: ACMG Guidelines, 2015. Collection method: clinical testing. Allele origin: germline. Observed: 12 variant alleles.
Comment: BS1, BS3_supporting

Blueprint Genetics
Classification: Benign. Last evaluated: 2024-11-22. Review status: criteria provided, single submitter. Criteria: ACMG Guidelines, 2015. Collection method: clinical testing. Allele origin: germline.

ARUP Laboratories, Molecular Genetics and Genomics, ARUP Laboratories
Classification: Benign for Dilated cardiomyopathy 1DD. Last evaluated: 2024-01-09. Review status: criteria provided, single submitter. Criteria: ARUP Molecular Germline Variant Investigation Process 2024. Collection method: clinical testing. Allele origin: germline.

Women's Health and Genetics/Laboratory Corporation of America, LabCorp
Classification: Likely benign. Last evaluated: 2021-01-14. Review status: criteria provided, single submitter. Criteria: LabCorp Variant Classification Summary - May 2015. Collection method: clinical testing. Allele origin: germline.
Comment: Variant summary: RBM20 c.2662G>A (p.Asp888Asn) results in a conservative amino acid change in the encoded protein sequence. Four of five in-silico tools predict a damaging effect of the variant on protein function. The variant allele was found at a frequency of 0.0039 in 155726 control chromosomes in the gnomAD database, including 6 homozygotes. The observed variant frequency is approximately 82.6 fold of the estimated maximal expected allele frequency for a pathogenic variant in RBM20 causing Dilated Cardiomyopathy phenotype (4.7e-05), strongly suggesting that the variant is benign. c.2662G>A has been reported in the literature in individuals affected with Dilated Cardiomyopathy, without strong evidence for causality. These reports do not provide unequivocal conclusions about association of the variant with Dilated Cardiomyopathy. To our knowledge, no experimental evidence demonstrating an impact on protein function has been reported. 12 clinical diagnostic laboratories have submitted clinical-significance assessments for this variant to ClinVar after 2014 without evidence for independent evaluation. All laboratories classified the variant as benign/likely benign. Based on the evidence outlined above, the variant was classified as likely benign.

Center for Advanced Laboratory Medicine, UC San Diego Health, University of California San Diego
Classification: Likely benign for Dilated cardiomyopathy; Cardiomyopathy. Last evaluated: 2019-05-28. Review status: criteria provided, single submitter. Criteria: ACMG Guidelines, 2015. Collection method: clinical testing. Allele origin: germline. Affected: yes. Observed: 2 variant alleles.

Mendelics
Classification: Benign for Dilated cardiomyopathy 1DD. Last evaluated: 2019-05-28. Review status: criteria provided, single submitter. Criteria: Mendelics Assertion Criteria 2017. Collection method: clinical testing. Allele origin: unknown.

CHEO Genetics Diagnostic Laboratory, Children's Hospital of Eastern Ontario
Classification: Benign for Cardiomyopathy. Last evaluated: 2017-04-20. Review status: criteria provided, single submitter. Criteria: ACMG Guidelines, 2015. Collection method: clinical testing. Allele origin: germline. Study: Canadian Open Genetics Repository.

Agnes Ginges Centre for Molecular Cardiology, Centenary Institute
Classification: Benign for hypertrophic cardiomyopathy; sudden unexplained death in epilepsy; cardiac arrest. Last evaluated: 2017-03-17. Review status: criteria provided, single submitter. Criteria: ACMG Guidelines, 2015. Collection method: research. Allele origin: germline. Affected: yes.
Comment: This RBM20 Asp888Asn variant has previously been reported in DCM patients (Pugh TJ, et al., 2014; Refaat MM, et al., 2012) and is present in the large Exome Aggregation Consortium dataset at a minor allele frequency of 0.003 (European-Finnish subpopulation frequency is 0.02) which is much higher than expected for DCM (Nouhravesh N, et al., 2016) or any other inherited heart condition. Aspartic acid (Asp) at position 888 is only moderately conserved across mammals (not conserved in distantly related species). In silico tools SIFT, MutationTaster and PolyPhen-2 predict RBM20 Asp888Asn to have a possible damaging effect. Patients identified by our laboratory with the RBM20 Asp888Asn variant had different phenotypes: 1 HCM case, 1 patient who had a resuscitated cardiac arrest event, and 1 sudden unexplained death in epilepsy (SUDEP) case. In summary, based on the frequency of this variant in ~0.3% of the general population, and in 3 unrelated cases with varying disease manifestations in our data, we do not expect this variant to cause disease in isolation. In summary, we classify this variant as "benign".

GeneDx
Classification: Benign. Last evaluated: 2016-08-01. Review status: criteria provided, single submitter. Criteria: GeneDx Variant Classification (06012015). Collection method: clinical testing. Allele origin: germline. Affected: yes.
Comment: This variant is considered likely benign or benign based on one or more of the following criteria: it is a conservative change, it occurs at a poorly conserved position in the protein, it is predicted to be benign by multiple in silico algorithms, and/or has population frequency not consistent with disease.

CSER _CC_NCGL, University of Washington
Classification: Likely benign for Dilated cardiomyopathy. Last evaluated: 2015-12-01. Review status: criteria provided, single submitter. Criteria: Amendola et al. (Genome Res. 2015). Collection method: research. Allele origin: germline. Inheritance: Autosomal dominant inheritance. Study: CSER - NEXT Medicine variant annotation.
Comment: No known history of Dilated Cardiomyopathy. .GERP=5.610.ExAC Alt Allele Frequencies=AFR:0.0935%,NFE:0.27%,EAS:0.0%,SAS:0.0%,FIN:2.01%,AMR:0.0%,OTH:0.855%.The variant was found in publications with the following PMIDs:22004663;

Ambry Genetics
Classification: Benign for Cardiovascular phenotype. Last evaluated: 2015-06-11. Review status: criteria provided, single submitter. Criteria: Ambry Variant Classification Scheme 2023. Collection method: clinical testing. Allele origin: germline.

Laboratory for Molecular Medicine, Mass General Brigham Personalized Medicine
Classification: Benign. Last evaluated: 2015-02-04. Review status: criteria provided, single submitter. Criteria: LMM Criteria. Collection method: clinical testing. Allele origin: germline. Observed: 20 variant alleles.
Comment: p.Asp888Asn in exon 11 of RBM20: This variant is not expected to have clinical s ignificance because it has been identified in 2% (32/1592) of Finnish chromosome s by the Exome Aggregation Consortium (ExAC; dbS NP rs201370621).

Stanford Center for Inherited Cardiovascular Disease, Stanford University
Classification: Uncertain significance. Last evaluated: 2014-10-07. Review status: criteria provided, single submitter. Criteria: ACMG Guidelines, 2015. Collection method: provider interpretation. Allele origin: germline.

Baylor-Hopkins Center for Mendelian Genomics, Johns Hopkins University School of Medicine
Classification: Uncertain significance for Dilated cardiomyopathy 1DD. Review status: criteria provided, single submitter. Criteria: ACMG Guidelines, 2015. Collection method: research. Allele origin: unknown. Affected: yes. Observed: 1 variant allele, 1 heterozygote.

PreventionGenetics, part of Exact Sciences
Classification: Likely benign for RBM20-related condition. Last evaluated: 2019-03-18. Review status: no assertion criteria provided. Collection method: clinical testing. Allele origin: germline. Not counted in ClinVar's aggregate classification.
Comment: This variant is classified as likely benign based on ACMG/AMP sequence variant interpretation guidelines (Richards et al. 2015 PMID: 25741868, with internal and published modifications).

Clinical Genetics, Academic Medical Center
Classification: Benign. Review status: no assertion criteria provided. Collection method: clinical testing. Allele origin: germline. Affected: yes. Study: VKGL Data-share Consensus. Not counted in ClinVar's aggregate classification.

Diagnostic Laboratory, Department of Genetics, University Medical Center Groningen
Classification: Likely benign for Dilated cardiomyopathy 1DD. Review status: no assertion criteria provided. Collection method: clinical testing. Allele origin: germline. Affected: yes. Study: VKGL Data-share Consensus. Not counted in ClinVar's aggregate classification.

Genome Diagnostics Laboratory, University Medical Center Utrecht
Classification: Benign. Review status: no assertion criteria provided. Collection method: clinical testing. Allele origin: germline. Affected: yes. Study: VKGL Data-share Consensus. Not counted in ClinVar's aggregate classification.

Joint Genome Diagnostic Labs from Nijmegen and Maastricht, Radboudumc and MUMC+
Classification: Benign. Review status: no assertion criteria provided. Collection method: clinical testing. Allele origin: germline. Affected: yes. Study: VKGL Data-share Consensus. Not counted in ClinVar's aggregate classification.

Laboratory of Diagnostic Genome Analysis, Leiden University Medical Center (LUMC)
Classification: Likely benign. Review status: no assertion criteria provided. Collection method: clinical testing. Allele origin: germline. Affected: yes. Study: VKGL Data-share Consensus. Not counted in ClinVar's aggregate classification.

Literature cited by the submitters: PubMed 22004663 (cited by 5 submitters); PubMed 24503780 (cited by 4 submitters); PubMed 27896284 (cited by Mayo Clinic Laboratories, Mayo Clinic and Agnes Ginges Centre for Molecular Cardiology, Centenary Institute); PubMed 28798025 (cited by Mayo Clinic Laboratories, Mayo Clinic and Women's Health and Genetics/Laboratory Corporation of America, LabCorp); PubMed 29895960 (cited by Mayo Clinic Laboratories, Mayo Clinic); PubMed 32840935 (cited by Mayo Clinic Laboratories, Mayo Clinic); PubMed 34790974 (cited by Mayo Clinic Laboratories, Mayo Clinic).

NM_001134363.3(RBM20):c.2662G>A (p.Asp888Asn)

Gene: RBM20 (RNA binding motif protein 20; plus strand). Cytogenetic location: 10q25.2.
Variant type: single nucleotide variant.
Coding change: c.2662G>A on transcript NM_001134363.3 (MANE Select); coding-DNA position 2662, G replaced by A.
Protein change: p.Asp888Asn; replaces aspartic acid 888 with asparagine.
Molecular consequence: missense variant.
Genome position (GRCh38, 1-based): chr10:110,821,281, G>A. VCF-style: chr10-110821281-G-A. GRCh37 (hg19) VCF-style: chr10-112581039-G-A.
Other names: p.D888N:GAT>AAT; short protein forms D888N.
Identifiers: ClinVar variation 43995 (VCV000043995.77), dbSNP rs201370621, ClinGen allele CA133329.